The following is an entry in ClinVar:

ClinVar aggregate classification (germline): Uncertain significance (1 of 4 stars; one submission).

Submission:

GeneDx
Classification: Uncertain significance. Last evaluated: 2017-01-18. Review status: criteria provided, single submitter. Criteria: GeneDx Variant Classification (06012015). Collection method: clinical testing. Allele origin: germline. Affected: yes.
Comment: The c.16_34dup19 variant in the VHL gene has not been reported previously as a pathogenic variant, nor as a benign variant, to our knowledge. This duplication causes a frameshift starting with codon Glutamic Acid 12, changes this amino acid to a Glycine residue and creates a premature Stop codon at position 21 of the new reading frame, denoted p.Glu12GlyfsX21, in the primary isoform pVHL30. However, in the alternate clinically-relevant isoform pVHL19, this variant occurs upstream of the start codon for pVHL19 and does not appear to affect the start codon or the Kozak translational consensus sequence of pVHL19. Multiple functional studies suggest that pVHL19 may be sufficient for VHL protein-protein interactions and tumor suppressor activity (Iliopoulos et al., 1998; Schoenfeld et al., 1998; Blankenship et al., 1999). Based on currently available evidence, it is unclear whether c.16_34dup19 is a pathogenic variant or a rare benign variant. We consider it to be a variant of uncertain significance.

NM_000551.4(VHL):c.16_34dup (p.Glu12fs)

Gene: VHL (von Hippel-Lindau tumor suppressor; plus strand). Cytogenetic location: 3p25.3.
Variant type: Duplication.
Coding change: c.16_34dup on transcript NM_000551.4 (MANE Select); coding-DNA positions 16 to 34, 19 bases duplicated (GAGAACTGGGACGAGGCCG).
Protein change: p.Glu12fs; shifts the reading frame from glutamic acid 12.
Molecular consequence: frameshift variant.
Genome position (GRCh38, 1-based): chr3:10,141,863-10,141,881, GAGAACTGGGACGAGGCCG duplicated; duplicating any 19 consecutive bases within chr3:10,141,861-10,141,881 gives the same sequence; the c. name uses the placement nearest the transcript's 3' end. VCF-style (leftmost placement, unchanged base first): chr3-10141860-G-GCGGAGAACTGGGACGAGGC. GRCh37 (hg19) VCF-style: chr3-10183544-G-GCGGAGAACTGGGACGAGGC.
Other names: c.16_34dupGAGAACTGGGACGAGGCCG (NM_000551.3); c.16_34dup, p.Glu12fs (NM_001354723.2, NM_198156.3); short protein forms E12fs.
Identifiers: ClinVar variation 423088 (VCV000423088.2), dbSNP rs1553619276, ClinGen allele CA16617778.